The following is an entry in ClinVar:

NM_006270.5(RRAS):c.153+12_153+21del

Gene: RRAS (RAS related; minus strand). Cytogenetic location: 19q13.33.
Variant type: Deletion.
Coding change: c.153+12_153+21del on transcript NM_006270.5 (MANE Select); bases 12 to 21 of the intron after coding-DNA position 153, 10 bases deleted (TCACCCGGGA; older notation c.153+12_153+21delTCACCCGGGA).
Molecular consequence: intron variant.
Genome position (GRCh38, 1-based): chr19:49,639,925-49,639,934, TCCCGGGTGA deleted on the plus strand (TCACCCGGGA on the coding strand, the reverse complement: RRAS is on the minus strand). VCF-style (leftmost placement, unchanged base first): chr19-49639924-CTCCCGGGTGA-C. GRCh37 (hg19) VCF-style: chr19-50143181-CTCCCGGGTGA-C.
Other names: c.153+12_153+21del10 (NM_006270.5).
Identifiers: ClinVar variation 3902762 (VCV003902762.1).

ClinVar aggregate classification (germline): Likely benign (1 of 4 stars; one submission).

Submission:

Women's Health and Genetics/Laboratory Corporation of America, LabCorp
Classification: Likely benign. Last evaluated: 2025-05-22. Review status: criteria provided, single submitter. Criteria: LabCorp Variant Classification Summary - May 2015. Collection method: clinical testing. Allele origin: germline.
Comment: Variant summary: RRAS c.153+12_153+21del10 alters a nucleotide located at a position not widely known to affect splicing. Consensus agreement among computation tools predict no significant impact on normal splicing. However, these predictions have yet to be confirmed by functional studies. The variant allele was found at a frequency of 5.3e-06 in 186986 control chromosomes. The available data on variant occurrences in the general population are insufficient to allow any conclusion about variant significance. To our knowledge, no occurrence of c.153+12_153+21del10 in individuals affected with Noonan Syndrome And Related Conditions and no experimental evidence demonstrating its impact on protein function have been reported. No submitters have cited clinical-significance assessments for this variant to ClinVar. Based on the evidence outlined above, the variant was classified as likely benign.